The following is an entry in ClinVar:

NM_002772.3(TMPRSS15):c.1142A>G (p.Asn381Ser)

Gene: TMPRSS15 (transmembrane serine protease 15; minus strand). Cytogenetic location: 21q21.1.
Variant type: single nucleotide variant.
Coding change: c.1142A>G on transcript NM_002772.3 (MANE Select); coding-DNA position 1142, A replaced by G.
Protein change: p.Asn381Ser; replaces asparagine 381 with serine.
Molecular consequence: missense variant.
Genome position (GRCh38, 1-based): chr21:18,352,932, T>C on the plus strand (A>G on the coding strand, the complement: TMPRSS15 is on the minus strand). VCF-style: chr21-18352932-T-C. GRCh37 (hg19) VCF-style: chr21-19725249-T-C.
Other names: short protein forms N381S.
Identifiers: ClinVar variation 723470 (VCV000723470.12), dbSNP rs199814645, ClinGen allele CA9984544.

ClinVar aggregate classification (germline): Benign. Review status: criteria provided, multiple submitters, no conflicts (2 of 4 stars). 3 submissions from 3 submitters: Benign (2). 1 of the submissions does not count toward it. Last evaluated 2026-01-24.

Conditions:
TMPRSS15-related disorder. Also called: TMPRSS15-related condition.

Allele frequency attached by ClinVar (database versions not stated): gnomAD exomes 0.00261 and 0.00522; ExAC 0.00611; 1000 Genomes Project 30x 0.00953; 1000 Genomes Project 0.01058; gnomAD 0.00004 and 0.00160; ESP Exome Variant Server 0.00008; TOPMed 0.00024.
gnomAD v4.1: 4,050 of 1,612,432 alleles (0.25%); highest among the groups gnomAD compares: South Asian, 4.2%; 134 homozygotes.

Submissions (3):

Labcorp Genetics (formerly Invitae), Labcorp
Classification: Benign. Last evaluated: 2026-01-24. Review status: criteria provided, single submitter. Criteria: Invitae Variant Classification Sherloc (09022015). Collection method: clinical testing. Allele origin: germline.

Breakthrough Genomics
Classification: Benign. Review status: criteria provided, single submitter. Criteria: ACMG Guidelines, 2015. Collection method: not provided. Allele origin: germline. Inheritance: Autosomal recessive inheritance. Affected: yes.

PreventionGenetics, part of Exact Sciences
Classification: Benign for TMPRSS15-related condition. Last evaluated: 2019-09-25. Review status: no assertion criteria provided. Collection method: clinical testing. Allele origin: germline. Not counted in ClinVar's aggregate classification.
Comment: This variant is classified as benign based on ACMG/AMP sequence variant interpretation guidelines (Richards et al. 2015 PMID: 25741868, with internal and published modifications).